The following is an entry in ClinVar:

ClinVar aggregate classification (germline): Uncertain significance (1 of 4 stars; one submission).

Conditions:
RP1L1-related disorder. Also called: RP1L1-related condition.

gnomAD v4.1: 13 of 1,612,146 alleles (0.00081%); highest among the groups gnomAD compares: Middle Eastern, 0.016%; no homozygotes.

Submission:

PreventionGenetics, part of Exact Sciences
Classification: Uncertain significance for RP1L1-related condition. Last evaluated: 2025-12-29. Review status: criteria provided, single submitter. Criteria: ACMG Guidelines, 2015. Collection method: clinical testing. Allele origin: germline.
Comment: The RP1L1 c.3133G>A variant is predicted to result in the amino acid substitution p.Gly1045Arg. To our knowledge, this variant has not been reported in the literature. This variant is reported in 0.0058% of alleles in individuals of Latino descent in gnomAD. At this time, the clinical significance of this variant is uncertain due to the absence of conclusive functional and genetic evidence.

NM_178857.6(RP1L1):c.3133G>A (p.Gly1045Arg)

Gene: RP1L1 (RP1 like 1). Cytogenetic location: 8p23.1.
Variant type: single nucleotide variant.
Coding change: c.3133G>A on transcript NM_178857.6 (MANE Select); coding-DNA position 3133, G replaced by A.
Protein change: p.Gly1045Arg; replaces glycine 1045 with arginine.
Molecular consequence: missense variant.
Genome position (GRCh38, 1-based): chr8:10,610,965, C>T on the plus strand (G>A on the coding strand, the complement: RP1L1 is on the minus strand). VCF-style: chr8-10610965-C-T. GRCh37 (hg19) VCF-style: chr8-10468475-C-T.
Other names: short protein forms G1045R.
Identifiers: ClinVar variation 4989485 (VCV004989485.1).